The following is an entry in ClinVar:

NM_004304.5(ALK):c.1904A>G (p.Tyr635Cys)

Gene: ALK (ALK receptor tyrosine kinase; minus strand). Cytogenetic location: 2p23.2.
Variant type: single nucleotide variant.
Coding change: c.1904A>G on transcript NM_004304.5 (MANE Select); coding-DNA position 1904, A replaced by G.
Protein change: p.Tyr635Cys; replaces tyrosine 635 with cysteine.
Molecular consequence: missense variant.
Genome position (GRCh38, 1-based): chr2:29,275,410, T>C on the plus strand (A>G on the coding strand, the complement: ALK is on the minus strand). VCF-style: chr2-29275410-T-C. GRCh37 (hg19) VCF-style: chr2-29498276-T-C.
Other names: short protein forms Y635C.
Identifiers: ClinVar variation 2915280 (VCV002915280.3), dbSNP rs1665515447, ClinGen allele CA346479866.
Genomic context (GRCh38, chr2:29,275,410, plus strand): 5'-CCATGGGCCATGGGGGTTGGGGGACAGAGTGCTGGGGTCAGAGTGAACTCACTGGTGAGG[T>C]AGCAGTCCAGGCTGATGGAGATATTGTCAAAAGCCACGATGGCTCTGGATCCTTGTCCCC-3'
Protein context (NP_004295.2, residues 625-645): FDNISISLDC[Tyr635Cys]LTISGEDKIL

ClinVar aggregate classification (germline): Uncertain significance (1 of 4 stars; one submission).

Conditions:
Neuroblastoma, susceptibility to, 3. Also called: ALK-Related Neuroblastic Tumor Susceptibility. Identifiers: Orphanet 635, MedGen C2751681, MONDO:0013083, OMIM 613014.

Allele frequency attached by ClinVar (database versions not stated): TOPMed below 0.00001.

Submission:

Labcorp Genetics (formerly Invitae), Labcorp
Classification: Uncertain significance for Neuroblastoma, susceptibility to, 3. Last evaluated: 2023-05-07. Review status: criteria provided, single submitter. Criteria: Invitae Variant Classification Sherloc (09022015). Collection method: clinical testing. Allele origin: germline.
Comment: This sequence change replaces tyrosine, which is neutral and polar, with cysteine, which is neutral and slightly polar, at codon 635 of the ALK protein (p.Tyr635Cys). This variant is not present in population databases (gnomAD no frequency). This variant has not been reported in the literature in individuals affected with ALK-related conditions. An algorithm developed to predict the effect of missense changes on protein structure and function (PolyPhen-2) suggests that this variant is likely to be disruptive. In summary, the available evidence is currently insufficient to determine the role of this variant in disease. Therefore, it has been classified as a Variant of Uncertain Significance.